The following is an entry in ClinVar:

NM_000180.4(GUCY2D):c.690_693del (p.Lys232fs)

Gene: GUCY2D (guanylate cyclase 2D, retinal; plus strand). Cytogenetic location: 17p13.1.
Variant type: Deletion.
Coding change: c.690_693del on transcript NM_000180.4 (MANE Select); coding-DNA positions 690 to 693, 4 bases deleted (GAGG; older notation c.690_693delGAGG).
Protein change: p.Lys232fs; shifts the reading frame from lysine 232.
Molecular consequence: frameshift variant.
Genome position (GRCh38, 1-based): chr17:8,003,737-8,003,740, GAGG deleted. VCF-style (leftmost placement, unchanged base first): chr17-8003736-TGAGG-T. GRCh37 (hg19) VCF-style: chr17-7907054-TGAGG-T.
Other names: short protein forms K232fs.
Identifiers: ClinVar variation 1213844 (VCV001213844.8), dbSNP rs2151799567, ClinGen allele CA2499224989.

ClinVar aggregate classification (germline): Pathogenic. Review status: criteria provided, multiple submitters, no conflicts (2 of 4 stars). 2 submissions from 2 submitters: Pathogenic (2). Last evaluated 2022-11-08.

Conditions:
Leber congenital amaurosis 1 (LCA1). Also called: RETINAL BLINDNESS, CONGENITAL; AMAUROSIS CONGENITA OF LEBER I; Congenital absence of the rods and cones; Leber's congenital tapetoretinal degeneration; Leber's congenital tapetoretinal dysplasia. Identifiers: Orphanet 65, MedGen C2931258, MONDO:0008764, OMIM 204000.
Cone-rod dystrophy 6 (CORD6). Also called: RETINAL CONE DYSTROPHY 2; Cone dystrophy progressive. Identifiers: Orphanet 1872, MedGen C1866293, MONDO:0011143, OMIM 601777.

Submissions (2):

Labcorp Genetics (formerly Invitae), Labcorp
Classification: Pathogenic for Leber congenital amaurosis 1; Cone-rod dystrophy 6. Last evaluated: 2022-11-08. Review status: criteria provided, single submitter. Criteria: Invitae Variant Classification Sherloc (09022015). Collection method: clinical testing. Allele origin: germline.
Comment: This sequence change creates a premature translational stop signal (p.Lys232Phefs*10) in the GUCY2D gene. It is expected to result in an absent or disrupted protein product. Loss-of-function variants in GUCY2D are known to be pathogenic (PMID: 10951519, 11328726). This variant is not present in population databases (gnomAD no frequency). For these reasons, this variant has been classified as Pathogenic. Algorithms developed to predict the effect of sequence changes on RNA splicing suggest that this variant may disrupt the consensus splice site. ClinVar contains an entry for this variant (Variation ID: 1213844). This variant has not been reported in the literature in individuals affected with GUCY2D-related conditions.

DBGen Ocular Genomics
Classification: Pathogenic for Leber congenital amaurosis 1. Last evaluated: 2021-06-16. Review status: criteria provided, single submitter. Criteria: ACMG Guidelines, 2015. Collection method: clinical testing. Allele origin: germline. Affected: yes. Observed: 1 variant allele.

Literature cited by the submitters: PubMed 10951519 (cited by Labcorp Genetics (formerly Invitae), Labcorp); PubMed 11328726 (cited by Labcorp Genetics (formerly Invitae), Labcorp).